The following is an entry in ClinVar:

ClinVar aggregate classification (germline): Uncertain significance (1 of 4 stars; one submission).

Submission:

Labcorp Genetics (formerly Invitae), Labcorp
Classification: Uncertain significance. Last evaluated: 2023-07-21. Review status: criteria provided, single submitter. Criteria: Invitae Variant Classification Sherloc (09022015). Collection method: clinical testing. Allele origin: germline.
Comment: This sequence change replaces glycine, which is neutral and non-polar, with aspartic acid, which is acidic and polar, at codon 173 of the MPDZ protein (p.Gly173Asp). This variant is not present in population databases (gnomAD no frequency). This variant has not been reported in the literature in individuals affected with MPDZ-related conditions. ClinVar contains an entry for this variant (Variation ID: 1991938). An algorithm developed to predict the effect of missense changes on protein structure and function (PolyPhen-2) suggests that this variant is likely to be disruptive. In summary, the available evidence is currently insufficient to determine the role of this variant in disease. Therefore, it has been classified as a Variant of Uncertain Significance.

NM_001378778.1(MPDZ):c.518G>A (p.Gly173Asp)

Gene: MPDZ (multiple PDZ domain crumbs cell polarity complex component; minus strand). Cytogenetic location: 9p23.
Variant type: single nucleotide variant.
Coding change: c.518G>A on transcript NM_001378778.1 (MANE Select); coding-DNA position 518, G replaced by A.
Protein change: p.Gly173Asp; replaces glycine 173 with aspartic acid.
Molecular consequence: missense variant.
Genome position (GRCh38, 1-based): chr9:13,223,586, C>T on the plus strand (G>A on the coding strand, the complement: MPDZ is on the minus strand). VCF-style: chr9-13223586-C-T. GRCh37 (hg19) VCF-style: chr9-13223585-C-T.
Other names: c.518G>A, p.Gly173Asp (NM_001261406.2, NM_001261407.2, NM_001330637.2 and 14 more transcripts); short protein forms G173D.
Identifiers: ClinVar variation 1991938 (VCV001991938.4), dbSNP rs1371996998, ClinGen allele CA372947424.